The following is an entry in ClinVar:

NM_002292.4(LAMB2):c.5115T>C (p.Pro1705=)

Gene: LAMB2 (laminin subunit beta 2; minus strand). Cytogenetic location: 3p21.31.
Variant type: single nucleotide variant.
Coding change: c.5115T>C on transcript NM_002292.4 (MANE Select); coding-DNA position 5115, T replaced by C.
Protein change: p.Pro1705=; no amino-acid change (proline 1705 retained).
Molecular consequence: synonymous variant.
Genome position (GRCh38, 1-based): chr3:49,121,578, A>G on the plus strand (T>C on the coding strand, the complement: LAMB2 is on the minus strand). VCF-style: chr3-49121578-A-G. GRCh37 (hg19) VCF-style: chr3-49159011-A-G.
Identifiers: ClinVar variation 772703 (VCV000772703.12), dbSNP rs28612476, ClinGen allele CA2393596.
Genomic context (GRCh38, chr3:49,121,578, plus strand): 5'-CAGCACACCTTGGGCCTTGCGCTCAGCTAGGGCCTTCACCGTCTGGTACTGATCACCCAG[A>G]GGACCGCGTAGCAGCTGCAGATGTAGAGGGTTAGGTTAGCGTGGTAGCTCAGTGGAGGCC-3'
Protein context (NP_002283.3, residues 1695-1715): AQEAEQLLRG[Pro1705=]LGDQYQTVKA

ClinVar aggregate classification (germline): Likely benign. Review status: criteria provided, multiple submitters, no conflicts (2 of 4 stars). 2 submissions from 2 submitters: Likely benign (2). Last evaluated 2026-02-01.

Conditions:
LAMB2-related infantile-onset nephrotic syndrome. Also called: NEPHROTIC SYNDROME, TYPE 5, WITHOUT OCULAR ABNORMALITIES; NEPHROTIC SYNDROME, TYPE 5, WITH OCULAR ABNORMALITIES; Nephrotic Syndrome, type 5. Identifiers: Orphanet 306507, MedGen C3280113, MONDO:0013621, OMIM 614199.
Pierson syndrome. Also called: MICROCORIA-CONGENITAL NEPHROTIC SYNDROME. Identifiers: Orphanet 2670, MedGen C1836876, MONDO:0012184, OMIM 609049.

Allele frequency attached by ClinVar (database versions not stated): TOPMed 0.00002.
gnomAD v4.1: 17 of 1,613,856 alleles (0.0011%); highest among the groups gnomAD compares: Admixed American, 0.027%; no homozygotes.

Submissions (2):

CeGaT Center for Human Genetics Tuebingen
Classification: Likely benign. Last evaluated: 2026-02-01. Review status: criteria provided, single submitter. Criteria: CeGaT Center For Human Genetics Tuebingen Variant Classification Criteria Version 2. Collection method: clinical testing. Allele origin: germline. Affected: yes. Observed: 1 variant allele.
Comment: LAMB2: BP4, BP7

Labcorp Genetics (formerly Invitae), Labcorp
Classification: Likely benign for LAMB2-related infantile-onset nephrotic syndrome; Pierson syndrome. Last evaluated: 2026-01-04. Review status: criteria provided, single submitter. Criteria: Invitae Variant Classification Sherloc (09022015). Collection method: clinical testing. Allele origin: germline.